The following is an entry in ClinVar:

NM_000016.6(ACADM):c.54del (p.His19fs)

Gene: ACADM (acyl-CoA dehydrogenase medium chain; plus strand). Cytogenetic location: 1p31.1.
Variant type: Deletion.
Coding change: c.54del on transcript NM_000016.6 (MANE Select); coding-DNA position 54, one base deleted (T; older notation c.54delT).
Protein change: p.His19fs; shifts the reading frame from histidine 19.
Molecular consequence: frameshift variant. On other transcripts: intron variant (2).
Genome position (GRCh38, 1-based): chr1:75,728,424, T deleted; the last of 4 consecutive T bases (chr1:75,728,421-75,728,424); deleting any one gives the same sequence. VCF-style (leftmost placement, unchanged base first): chr1-75728420-GT-G. GRCh37 (hg19) VCF-style: chr1-76194105-GT-G.
Other names: c.66del, p.His23fs (NM_001127328.3); c.54del, p.His19fs (NM_001286043.2); c.10+3607del (NM_001286042.2); c.-268+3607del (NM_001286044.2); short protein forms H19fs, H23fs.
Identifiers: ClinVar variation 5010715 (VCV005010715.1).

ClinVar aggregate classification (germline): Pathogenic (1 of 4 stars; one submission).

Conditions:
Medium-chain acyl-coenzyme A dehydrogenase deficiency (ACADMD). Also called: ACADM DEFICIENCY; CARNITINE DEFICIENCY SECONDARY TO MEDIUM-CHAIN ACYL-CoA DEHYDROGENASE DEFICIENCY; MCADH DEFICIENCY; MCADD; Medium chain acyl-CoA dehydrogenase deficiency; MCAD Deficiency. Identifiers: Orphanet 42, MedGen C0220710, MONDO:0008721, OMIM 201450.

Submission:

Myriad Genetics, Inc.
Classification: Pathogenic for Medium-chain acyl-coenzyme A dehydrogenase deficiency. Last evaluated: 2024-11-27. Review status: criteria provided, single submitter. Criteria: Myriad Autosomal Dominant, Autosomal Recessive and X-Linked Classification Criteria (2023). Collection method: clinical testing. Allele origin: unknown.
Comment: NM_000016.4(ACADM):c.54delT(H19Ifs*17) is expected to be pathogenic in the context of medium-chain acyl-CoA dehydrogenase deficiency. This variant is predicted to lead to an abnormal or absent protein product due to the creation of a premature termination codon in ACADM, a gene where loss-of-function variants are known to be pathogenic. Please note: this variant was assessed in the context of healthy population screening.